The following is an entry in ClinVar:

NM_032608.7(MYO18B):c.1409C>T (p.Ala470Val)

Gene: MYO18B (myosin XVIIIB; plus strand). Cytogenetic location: 22q12.1.
Variant type: single nucleotide variant.
Coding change: c.1409C>T on transcript NM_032608.7 (MANE Select); coding-DNA position 1409, C replaced by T.
Protein change: p.Ala470Val; replaces alanine 470 with valine.
Molecular consequence: missense variant.
Genome position (GRCh38, 1-based): chr22:25,769,325, C>T. VCF-style: chr22-25769325-C-T. GRCh37 (hg19) VCF-style: chr22-26165292-C-T.
Other names: c.1409C>T, p.Ala470Val (NM_001318245.2); c.1409C>T (NM_032608.5); short protein forms A470V.
Identifiers: ClinVar variation 1369790 (VCV001369790.7), dbSNP rs745453805, ClinGen allele CA10159818.

ClinVar aggregate classification (germline): Uncertain significance. Review status: criteria provided, multiple submitters, no conflicts (2 of 4 stars). 2 submissions from 2 submitters: Uncertain significance (2). Last evaluated 2025-11-24.

Conditions:
Inborn genetic diseases. Identifiers: MedGen C0950123, MeSH D030342.

Allele frequency attached by ClinVar (database versions not stated): gnomAD 0.00001; ExAC 0.00003; gnomAD exomes 0.00005 and 0.00003; TOPMed 0.00005.
gnomAD v4.1: 66 of 1,578,620 alleles (0.0042%); highest among the groups gnomAD compares: Non-Finnish European, 0.0052%; no homozygotes.

Submissions (2):

Ambry Genetics
Classification: Uncertain significance for Inborn genetic diseases. Last evaluated: 2025-11-24. Review status: criteria provided, single submitter. Criteria: Ambry Variant Classification Scheme 2023. Collection method: clinical testing. Allele origin: germline.

Labcorp Genetics (formerly Invitae), Labcorp
Classification: Uncertain significance. Last evaluated: 2024-06-28. Review status: criteria provided, single submitter. Criteria: Invitae Variant Classification Sherloc (09022015). Collection method: clinical testing. Allele origin: germline.
Comment: This sequence change replaces alanine, which is neutral and non-polar, with valine, which is neutral and non-polar, at codon 470 of the MYO18B protein (p.Ala470Val). This variant is present in population databases (rs745453805, gnomAD 0.004%). This variant has not been reported in the literature in individuals affected with MYO18B-related conditions. ClinVar contains an entry for this variant (Variation ID: 1369790). Algorithms developed to predict the effect of missense changes on protein structure and function output the following: SIFT: "Not Available"; PolyPhen-2: "Benign"; Align-GVGD: "Not Available". The valine amino acid residue is found in multiple mammalian species, which suggests that this missense change does not adversely affect protein function. In summary, the available evidence is currently insufficient to determine the role of this variant in disease. Therefore, it has been classified as a Variant of Uncertain Significance.